The following is an entry in ClinVar:

NM_030665.4(RAI1):c.3302C>T (p.Pro1101Leu)

Gene: RAI1 (retinoic acid induced 1; plus strand). Cytogenetic location: 17p11.2.
Variant type: single nucleotide variant.
Coding change: c.3302C>T on transcript NM_030665.4 (MANE Select); coding-DNA position 3302, C replaced by T.
Protein change: p.Pro1101Leu; replaces proline 1101 with leucine.
Molecular consequence: missense variant.
Genome position (GRCh38, 1-based): chr17:17,796,250, C>T. VCF-style: chr17-17796250-C-T. GRCh37 (hg19) VCF-style: chr17-17699564-C-T.
Other names: short protein forms P1101L.
Identifiers: ClinVar variation 4982695 (VCV004982695.1).
Genomic context (GRCh38, chr17:17,796,250, plus strand): 5'-CAGACAAACTGGGGGGCAAGCAGCGAGCCGCCTTCAAGTCGGGCAAGCGGGTGGGGAAGC[C>T]CTCACCCAAGGCTGCCTCCAGCCCCAGCAACCCGGCCGCCCTGCCTGTGGCCTCCGACAG-3'
Protein context (NP_109590.3, residues 1091-1111): AFKSGKRVGK[Pro1101Leu]SPKAASSPSN

ClinVar aggregate classification (germline): Uncertain significance (1 of 4 stars; one submission).

Conditions:
RAI1-related disorder. Also called: RAI1-related condition.

gnomAD v4.1: 2 of 1,581,820 alleles (0.00013%); highest among the groups gnomAD compares: Non-Finnish European, 0.00017%; no homozygotes.

Submission:

PreventionGenetics, part of Exact Sciences
Classification: Uncertain significance for RAI1-related condition. Last evaluated: 2025-07-31. Review status: criteria provided, single submitter. Criteria: ACMG Guidelines, 2015. Collection method: clinical testing. Allele origin: germline.
Comment: The RAI1 c.3302C>T variant is predicted to result in the amino acid substitution p.Pro1101Leu. To our knowledge, this variant has not been reported in the literature or in a large population database (gnomAD), indicating this variant is rare. At this time, the clinical significance of this variant is uncertain due to the absence of conclusive functional and genetic evidence.